The following is an entry in ClinVar:

NM_017866.6(TMEM70):c.777C>G (p.Asp259Glu)

Gene: TMEM70 (transmembrane protein 70; plus strand). Cytogenetic location: 8q21.11.
Variant type: single nucleotide variant.
Coding change: c.777C>G on transcript NM_017866.6 (MANE Select); coding-DNA position 777, C replaced by G.
Protein change: p.Asp259Glu; replaces aspartic acid 259 with glutamic acid.
Molecular consequence: missense variant. On other transcripts: 3 prime UTR variant (1), non-coding transcript variant (1).
Genome position (GRCh38, 1-based): chr8:73,981,615, C>G. VCF-style: chr8-73981615-C-G. GRCh37 (hg19) VCF-style: chr8-74893850-C-G.
Other names: c.*467C>G (NM_001040613.3); short protein forms D259E.
Identifiers: ClinVar variation 130601 (VCV000130601.25), dbSNP rs1053077, ClinGen allele CA155740.

ClinVar aggregate classification (germline): Benign. Review status: criteria provided, multiple submitters, no conflicts (2 of 4 stars). 6 submissions from 6 submitters: Benign (4). 2 of the submissions do not count toward it. Last evaluated 2026-02-04.

Conditions:
Mitochondrial complex V (ATP synthase) deficiency, nuclear type 2. Also called: Nuclear-Encoded ATPase Deficiency, TMEM70-Related; ENCEPHALOCARDIOMYOPATHY, MITOCHONDRIAL, NEONATAL, DUE TO ATP SYNTHASE DEFICIENCY; MITOCHONDRIAL COMPLEX V (ATP SYNTHASE) DEFICIENCY, TMEM70 TYPE. Identifiers: Orphanet 1194, MedGen C3279699, MONDO:0013546, OMIM 614052.

Allele frequency attached by ClinVar (database versions not stated): gnomAD exomes 0.15743 and 0.20690; ExAC 0.20108; gnomAD 0.23539 and 0.23241; TOPMed 0.25079; ESP Exome Variant Server 0.22054; 1000 Genomes Project 0.25899; 1000 Genomes Project 30x 0.26499.
gnomAD v4.1: 262,789 of 1,587,426 alleles (17%); highest among the groups gnomAD compares: African/African-American, 37%; 26,108 homozygotes.

Submissions (6):

Labcorp Genetics (formerly Invitae), Labcorp
Classification: Benign for Mitochondrial complex V (ATP synthase) deficiency, nuclear type 2. Last evaluated: 2026-02-04. Review status: criteria provided, single submitter. Criteria: Invitae Variant Classification Sherloc (09022015). Collection method: clinical testing. Allele origin: germline.

Illumina Laboratory Services, Illumina
Classification: Benign for Mitochondrial complex V (ATP synthase) deficiency, nuclear type 2. Last evaluated: 2018-01-13. Review status: criteria provided, single submitter. Criteria: ICSL Variant Classification Criteria 13 December 2019. Collection method: clinical testing. Allele origin: germline.
Comment: This variant was observed in the ICSL laboratory as part of a predisposition screen in an ostensibly healthy population. It had not been previously curated by ICSL or reported in the Human Gene Mutation Database (HGMD: prior to June 1st, 2018), and was therefore a candidate for classification through an automated scoring system. Utilizing variant allele frequency, disease prevalence and penetrance estimates, and inheritance mode, an automated score was calculated to assess if this variant is too frequent to cause the disease. Based on the score and internal cut-off values, a variant classified as benign is not then subjected to further curation. The score for this variant resulted in a classification of benign for this disease.

GeneDx
Classification: Benign. Last evaluated: 2015-03-03. Review status: criteria provided, single submitter. Criteria: GeneDx Variant Classification Process June 2021. Collection method: clinical testing. Allele origin: germline. Affected: yes.

Breakthrough Genomics
Classification: Benign. Review status: criteria provided, single submitter. Criteria: ACMG Guidelines, 2015. Collection method: not provided. Allele origin: germline. Inheritance: Autosomal recessive inheritance. Affected: yes.

Mayo Clinic Laboratories, Mayo Clinic
Classification: Benign. Last evaluated: 2016-02-23. Review status: no assertion criteria provided. Collection method: clinical testing. Allele origin: unknown. Not counted in ClinVar's aggregate classification.

Genetic Services Laboratory, University of Chicago
Classification: Likely benign for AllHighlyPenetrant. Review status: no assertion criteria provided. Collection method: clinical testing. Allele origin: germline. Inheritance: Autosomal recessive inheritance. Not counted in ClinVar's aggregate classification.
Comment: Likely benign based on allele frequency in 1000 Genomes Project or ESP global frequency and its presence in a patient with a rare or unrelated disease phenotype. NOT Sanger confirmed.